The following is an entry in ClinVar:

NM_000548.5(TSC2):c.3442C>A (p.Gln1148Lys)

Gene: TSC2 (TSC complex subunit 2; plus strand). Cytogenetic location: 16p13.3.
Variant type: single nucleotide variant.
Coding change: c.3442C>A on transcript NM_000548.5 (MANE Select); coding-DNA position 3442, C replaced by A.
Protein change: p.Gln1148Lys; replaces glutamine 1148 with lysine.
Molecular consequence: missense variant.
Genome position (GRCh38, 1-based): chr16:2,080,209, C>A. VCF-style: chr16-2080209-C-A. GRCh37 (hg19) VCF-style: chr16-2130210-C-A.
Other names: c.3310C>A, p.Gln1104Lys (NM_001077183.3, NM_001370404.1); c.3442C>A, p.Gln1148Lys (NM_001114382.3); c.3202C>A, p.Gln1068Lys (NM_001318827.2); c.3166C>A, p.Gln1056Lys (NM_001318829.2); c.2710C>A, p.Gln904Lys (NM_001318831.2); c.3343C>A, p.Gln1115Lys (NM_001318832.2); c.3313C>A, p.Gln1105Lys (NM_001363528.2, NM_001370405.1, NM_021055.3); c.3442C>A (NM_000548.3); short protein forms Q1056K, Q1068K, Q1104K, Q1105K, Q1115K, Q1148K, Q904K.
Identifiers: ClinVar variation 1019197 (VCV001019197.9), dbSNP rs45477491, ClinGen allele CA394288695.

ClinVar aggregate classification (germline): Uncertain significance. Review status: criteria provided, multiple submitters, no conflicts (2 of 4 stars). 2 submissions from 2 submitters: Uncertain significance (2). Last evaluated 2026-07-27.

Conditions:
Hereditary cancer-predisposing syndrome. Also called: Tumor predisposition; Hereditary Cancer Syndrome; Hereditary neoplastic syndrome; Neoplastic Syndromes, Hereditary. Identifiers: Orphanet 140162, MedGen C0027672, MeSH D009386, MONDO:0015356.
Tuberous sclerosis 2 (TSC2). Identifiers: Orphanet 805, MedGen C1860707, MONDO:0013199, OMIM 613254.

Allele frequency attached by ClinVar (database versions not stated): gnomAD exomes below 0.00001.
gnomAD v4.1: 1 of 1,613,006 alleles (0.000062%); highest among the groups gnomAD compares: Middle Eastern, 0.017%; no homozygotes.

Submissions (2):

Ambry Genetics
Classification: Uncertain significance for Hereditary cancer-predisposing syndrome. Last evaluated: 2026-07-27. Review status: criteria provided, single submitter. Criteria: Ambry Variant Classification Scheme 2023. Collection method: clinical testing. Allele origin: germline.
Comment: The p.Q1148K variant (also known as c.3442C>A), located in coding exon 29 of the TSC2 gene, results from a C to A substitution at nucleotide position 3442. The glutamine at codon 1148 is replaced by lysine, an amino acid with similar properties. This amino acid position is well conserved in available vertebrate species. In addition, this alteration is predicted to be tolerated by in silico analysis. Based on the available evidence, the clinical significance of this variant remains unclear.

Labcorp Genetics (formerly Invitae), Labcorp
Classification: Uncertain significance for Tuberous sclerosis 2. Last evaluated: 2020-09-24. Review status: criteria provided, single submitter. Criteria: Invitae Variant Classification Sherloc (09022015). Collection method: clinical testing. Allele origin: germline.
Comment: In summary, the available evidence is currently insufficient to determine the role of this variant in disease. Therefore, it has been classified as a Variant of Uncertain Significance. Advanced modeling of protein sequence and biophysical properties (such as structural, functional, and spatial information, amino acid conservation, physicochemical variation, residue mobility, and thermodynamic stability) performed at Invitae indicates that this missense variant is not expected to disrupt TSC2 protein function. This variant has not been reported in the literature in individuals with TSC2-related conditions. This variant is not present in population databases (ExAC no frequency). This sequence change replaces glutamine with lysine at codon 1148 of the TSC2 protein (p.Gln1148Lys). The glutamine residue is weakly conserved and there is a small physicochemical difference between glutamine and lysine.